The following is an entry in ClinVar:

ClinVar aggregate classification (germline): Uncertain significance (1 of 4 stars; one submission).

Conditions:
Deafness-lymphedema-leukemia syndrome. Also called: Emberger syndrome; Lymphedema, primary, with myelodysplasia. Identifiers: Orphanet 3226, MedGen C3279664, MONDO:0013540, OMIM 614038.
Monocytopenia with susceptibility to infections. Also called: MONOCYTOPENIA AND MYCOBACTERIAL INFECTION SYNDROME; MONOCYTOPENIA WITH SUSCEPTIBILITY TO MYCOBACTERIAL, FUNGAL, AND PAPILLOMAVIRUS INFECTIONS AND MYELODYSPLASIA; COMBINED IMMUNODEFICIENCY WITH SUSCEPTIBILITY TO MYCOBACTERIAL, VIRAL, AND FUNGAL INFECTIONS; IMMUNODEFICIENCY 21; GATA2 DEFICIENCY; Dendritic cell, monocyte, B lymphocyte, and natural killer lymphocyte deficiency. Identifiers: Orphanet 228423, MedGen C3280030, MONDO:0013607, OMIM 614172.

Submission:

Labcorp Genetics (formerly Invitae), Labcorp
Classification: Uncertain significance for Monocytopenia with susceptibility to infections; Deafness-lymphedema-leukemia syndrome. Last evaluated: 2022-02-10. Review status: criteria provided, single submitter. Criteria: Invitae Variant Classification Sherloc (09022015). Collection method: clinical testing. Allele origin: germline.
Comment: In summary, the available evidence is currently insufficient to determine the role of this variant in disease. Therefore, it has been classified as a Variant of Uncertain Significance. Algorithms developed to predict the effect of missense changes on protein structure and function are either unavailable or do not agree on the potential impact of this missense change (SIFT: "Not Available"; PolyPhen-2: "Probably Damaging"; Align-GVGD: "Not Available"). ClinVar contains an entry for this variant (Variation ID: 1021072). This variant has not been reported in the literature in individuals affected with GATA2-related conditions. Information on the frequency of this variant in the gnomAD database is not available, as this variant may be reported differently in the database. This variant, c.206_207delinsTT, is a complex sequence change that results in the deletion of arginine and insertion of leucine amino acid(s) in the GATA2 protein (p.Arg69Leu).

NM_032638.5(GATA2):c.206_207delinsTT (p.Arg69Leu)

Gene: GATA2 (GATA binding protein 2; minus strand). Cytogenetic location: 3q21.3.
Variant type: Indel.
Coding change: c.206_207delinsTT on transcript NM_032638.5 (MANE Select); coding-DNA positions 206 to 207, GC replaced by TT.
Protein change: p.Arg69Leu; replaces arginine 69 with leucine.
Molecular consequence: missense variant.
Genome position (GRCh38, 1-based): chr3:128,486,825-128,486,826, GC replaced by AA on the plus strand (GC replaced by TT on the coding strand, the reverse complement: GATA2 is on the minus strand). VCF-style: chr3-128486825-GC-AA. GRCh37 (hg19) VCF-style: chr3-128205668-GC-AA.
Other names: c.206_207delinsTT, p.Arg69Leu (NM_001145661.2, NM_001145662.1); short protein forms R69L.
Identifiers: ClinVar variation 1021072 (VCV001021072.8), dbSNP rs2068706969, ClinGen allele CA1400719785.